The following is an entry in ClinVar:

NC_000002.12:g.(?_165874735)_(166311776_?)del

Genes: SCN1A (sodium voltage-gated channel alpha subunit 1; minus strand), SCN1A-AS1 (SCN1A and SCN9A antisense RNA 1; plus strand), SCN9A (sodium voltage-gated channel alpha subunit 9; minus strand), TTC21B (tetratricopeptide repeat domain 21B; minus strand), TTC21B-AS1 (TTC21B antisense RNA 1; plus strand) and 3 more. Cytogenetic location: 2q24.3.
Variant type: Deletion.
Identifiers: ClinVar variation 471073 (VCV000471073.3).

ClinVar aggregate classification (germline): Pathogenic (1 of 4 stars; one submission).

Conditions:
Developmental and epileptic encephalopathy. Identifiers: MedGen C5779964, MONDO:0100620.

Submission:

Labcorp Genetics (formerly Invitae), Labcorp
Classification: Pathogenic for Early infantile epileptic encephalopathy with suppression bursts. Last evaluated: 2019-11-11. Review status: criteria provided, single submitter. Criteria: Invitae Variant Classification Sherloc (09022015). Collection method: clinical testing. Allele origin: germline.
Comment: A gross deletion of the genomic region encompassing the full coding sequence of the SCN1A gene has been identified. The boundaries of this event are unknown as the deletion extends beyond the assayed region for this gene and therefore may encompass additional genes. This variant has been observed in individual(s) with Dravet syndrome (PMID: 17561957, 16865694, 20522430, 21719429, 26068938). In at least one individual the variant was observed to be de novo. Loss-of-function variants in SCN1A are known to be pathogenic (PMID: 17347258, 18930999). For these reasons, this variant has been classified as Pathogenic.

Literature cited by the submitters: PubMed 17561957; PubMed 16865694; PubMed 21719429; PubMed 26068938; PubMed 20522430.